The following is an entry in ClinVar:

NM_005055.5(RAPSN):c.456T>C (p.Tyr152=)

Gene: RAPSN (receptor associated protein of the synapse; minus strand). Cytogenetic location: 11p11.2.
Variant type: single nucleotide variant.
Coding change: c.456T>C on transcript NM_005055.5 (MANE Select); coding-DNA position 456, T replaced by C.
Protein change: p.Tyr152=; no amino-acid change (tyrosine 152 retained).
Molecular consequence: synonymous variant.
Genome position (GRCh38, 1-based): chr11:47,447,887, A>G on the plus strand (T>C on the coding strand, the complement: RAPSN is on the minus strand). VCF-style: chr11-47447887-A-G. GRCh37 (hg19) VCF-style: chr11-47469439-A-G.
Other names: p.Tyr152=; c.456T>C, p.Tyr152= (NM_032645.5).
Identifiers: ClinVar variation 130091 (VCV000130091.30), dbSNP rs7111873, ClinGen allele CA154876.

ClinVar aggregate classification (germline): Benign. Review status: criteria provided, multiple submitters, no conflicts (2 of 4 stars). 15 submissions from 13 submitters: Benign (11). 4 of the submissions do not count toward it. Last evaluated 2026-06-12.

Conditions:
Fetal akinesia deformation sequence 2. Identifiers: MedGen C4760576, MONDO:0100102, OMIM 618388.
Fetal akinesia deformation sequence 1 (FADS1). Also called: Pena-Shokeir syndrome type I; Fetal akinesia sequence. Identifiers: Orphanet 994, MedGen C1276035, MONDO:0100101, OMIM 208150, HP:0001989.
Congenital myasthenic syndrome 11. Also called: MYASTHENIC SYNDROME, CONGENITAL, Ie; Myasthenic syndrome, congenital, 11, associated with acetylcholine receptor deficiency. Identifiers: Orphanet 590, MedGen C4225367, MONDO:0014588, OMIM 616326.
Congenital myasthenic syndrome (CMS). Also called: Congenital Myasthenic Syndromes. Identifiers: Orphanet 590, MedGen C0751882, MeSH D020294, MONDO:0018940.

Allele frequency attached by ClinVar (database versions not stated): gnomAD 0.61686 and 0.62333; TOPMed 0.61796; 1000 Genomes Project 30x 0.61946; ESP Exome Variant Server 0.62011; 1000 Genomes Project 0.62560; gnomAD exomes 0.68048 and 0.70533; ExAC 0.68467.

Submissions (15):

Women's Health and Genetics/Laboratory Corporation of America, LabCorp
Classification: Benign. Last evaluated: 2026-06-12. Review status: criteria provided, single submitter. Criteria: LabCorp Variant Classification Summary - May 2015. Collection method: clinical testing. Allele origin: germline.

Labcorp Genetics (formerly Invitae), Labcorp
Classification: Benign for Congenital myasthenic syndrome 11; Fetal akinesia deformation sequence 1. Last evaluated: 2026-02-04. Review status: criteria provided, single submitter. Criteria: Invitae Variant Classification Sherloc (09022015). Collection method: clinical testing. Allele origin: germline.

Blueprint Genetics
Classification: Benign. Last evaluated: 2024-11-27. Review status: criteria provided, single submitter. Criteria: ACMG Guidelines, 2015. Collection method: clinical testing. Allele origin: germline.

Genome-Nilou Lab
Classification: Benign for Fetal akinesia deformation sequence 2. Last evaluated: 2021-11-07. Review status: criteria provided, single submitter. Criteria: ACMG Guidelines, 2015. Collection method: clinical testing. Allele origin: germline. Affected: no.

Genome-Nilou Lab
Classification: Benign for Congenital myasthenic syndrome 11. Last evaluated: 2021-11-07. Review status: criteria provided, single submitter. Criteria: ACMG Guidelines, 2015. Collection method: clinical testing. Allele origin: germline. Affected: no.

Illumina Laboratory Services, Illumina
Classification: Benign for Fetal akinesia deformation sequence 1. Last evaluated: 2018-01-12. Review status: criteria provided, single submitter. Criteria: ICSL Variant Classification Criteria 13 December 2019. Collection method: clinical testing. Allele origin: germline.
Comment: This variant was observed in the ICSL laboratory as part of a predisposition screen in an ostensibly healthy population. It had not been previously curated by ICSL or reported in the Human Gene Mutation Database (HGMD: prior to June 1st, 2018), and was therefore a candidate for classification through an automated scoring system. Utilizing variant allele frequency, disease prevalence and penetrance estimates, and inheritance mode, an automated score was calculated to assess if this variant is too frequent to cause the disease. Based on the score and internal cut-off values, a variant classified as benign is not then subjected to further curation. The score for this variant resulted in a classification of benign for this disease.

Illumina Laboratory Services, Illumina
Classification: Benign for Congenital myasthenic syndrome 11. Last evaluated: 2018-01-12. Review status: criteria provided, single submitter. Criteria: ICSL Variant Classification Criteria 13 December 2019. Collection method: clinical testing. Allele origin: germline.
Comment: the same text as in the submission from Illumina Laboratory Services, Illumina above.

Mayo Clinic Laboratories, Mayo Clinic
Classification: Benign. Last evaluated: 2017-07-18. Review status: criteria provided, single submitter. Criteria: ACMG Guidelines, 2015. Collection method: clinical testing. Allele origin: germline. Observed: 397 variant alleles.

GeneDx
Classification: Benign. Last evaluated: 2015-12-07. Review status: criteria provided, single submitter. Criteria: GeneDx Variant Classification (06012015). Collection method: clinical testing. Allele origin: germline. Affected: yes.
Comment: This variant is considered likely benign or benign based on one or more of the following criteria: it is a conservative change, it occurs at a poorly conserved position in the protein, it is predicted to be benign by multiple in silico algorithms, and/or has population frequency not consistent with disease.

Breakthrough Genomics
Classification: Benign. Review status: criteria provided, single submitter. Criteria: ACMG Guidelines, 2015. Collection method: not provided. Allele origin: germline. Inheritance: Autosomal recessive inheritance. Affected: yes.

PreventionGenetics, part of Exact Sciences
Classification: Benign. Review status: criteria provided, single submitter. Criteria: ACMG Guidelines, 2015. Collection method: clinical testing. Allele origin: germline.

Natera, Inc.
Classification: Benign for Congenital myasthenic syndrome. Last evaluated: 2020-09-16. Review status: no assertion criteria provided. Collection method: clinical testing. Allele origin: germline. Not counted in ClinVar's aggregate classification.

Diagnostic Laboratory, Department of Genetics, University Medical Center Groningen
Classification: Benign. Review status: no assertion criteria provided. Collection method: clinical testing. Allele origin: germline. Affected: yes. Study: VKGL Data-share Consensus. Not counted in ClinVar's aggregate classification.

Genetic Services Laboratory, University of Chicago
Classification: Likely benign for AllHighlyPenetrant. Review status: no assertion criteria provided. Collection method: clinical testing. Allele origin: germline. Inheritance: Autosomal recessive inheritance. Not counted in ClinVar's aggregate classification.
Comment: Likely benign based on allele frequency in 1000 Genomes Project or ESP global frequency and its presence in a patient with a rare or unrelated disease phenotype. NOT Sanger confirmed.

Joint Genome Diagnostic Labs from Nijmegen and Maastricht, Radboudumc and MUMC+
Classification: Benign. Review status: no assertion criteria provided. Collection method: clinical testing. Allele origin: germline. Affected: yes. Study: VKGL Data-share Consensus. Not counted in ClinVar's aggregate classification.